The following is an entry in ClinVar:

ClinVar aggregate classification (germline): Likely benign (0 of 4 stars; one submission).

Conditions:
NCOA1-related disorder. Also called: NCOA1-related condition.

Allele frequency attached by ClinVar (database versions not stated): gnomAD 0.00001; gnomAD exomes 0.00001; TOPMed 0.00002.
gnomAD v4.1: 4 of 1,614,040 alleles (0.00025%); highest among the groups gnomAD compares: Admixed American, 0.0017%; no homozygotes.

Submission:

PreventionGenetics, part of Exact Sciences
Classification: Likely benign for NCOA1-related condition. Last evaluated: 2022-12-29. Review status: no assertion criteria provided. Collection method: clinical testing. Allele origin: germline.
Comment: This variant is classified as likely benign based on ACMG/AMP sequence variant interpretation guidelines (Richards et al. 2015 PMID: 25741868, with internal and published modifications).

NM_003743.5(NCOA1):c.2997T>C (p.Ser999=)

Gene: NCOA1 (nuclear receptor coactivator 1; plus strand). Cytogenetic location: 2p23.3.
Variant type: single nucleotide variant.
Coding change: c.2997T>C on transcript NM_003743.5 (MANE Select); coding-DNA position 2997, T replaced by C.
Protein change: p.Ser999=; no amino-acid change (serine 999 retained).
Molecular consequence: synonymous variant.
Genome position (GRCh38, 1-based): chr2:24,729,611, T>C. VCF-style: chr2-24729611-T-C. GRCh37 (hg19) VCF-style: chr2-24952480-T-C.
Other names: c.2997T>C, p.Ser999= (NM_001362950.1, NM_001362952.1, NM_001362954.1 and 3 more transcripts).
Identifiers: ClinVar variation 3031384 (VCV003031384.2), dbSNP rs1032505269, ClinGen allele CA43648511.
Genomic context (GRCh38, chr2:24,729,611, plus strand): 5'-GCCACCTTTGATCATGGAAGAAAGACCCAACCTTTATTCCCAGCCTTACTCTTCTCCTTC[T>C]CCTACTGCCAATCTCCCTAGCCCTTTCCAAGGCATGGTCAGGCAAAAACCTTCACTGGGG-3'
Protein context (NP_003734.3, residues 989-1009): NLYSQPYSSP[Ser999=]PTANLPSPFQ